The following is an entry in ClinVar:

ClinVar aggregate classification (germline): Uncertain significance (1 of 4 stars; one submission).

Conditions:
Mitochondrial complex II deficiency, nuclear type 1. Also called: SUCCINATE CoQ REDUCTASE DEFICIENCY. Identifiers: Orphanet 3208, MedGen C5700310, MONDO:0100294, OMIM 252011.
Pheochromocytoma/paraganglioma syndrome 5. Also called: Paragangliomas 5; SDHA-Related Hereditary Paraganglioma-Pheochromocytoma Syndrome. Identifiers: Orphanet 29072, MedGen C3279992, MONDO:0013602, OMIM 614165.

Allele frequency attached by ClinVar (database versions not stated): gnomAD exomes below 0.00001.
gnomAD v4.1: 2 of 1,614,016 alleles (0.00012%); highest among the groups gnomAD compares: East Asian, 0.0045%; no homozygotes.

Submission:

Labcorp Genetics (formerly Invitae), Labcorp
Classification: Uncertain significance for Pheochromocytoma/paraganglioma syndrome 5; Mitochondrial complex II deficiency, nuclear type 1. Last evaluated: 2022-08-23. Review status: criteria provided, single submitter. Criteria: Invitae Variant Classification Sherloc (09022015). Collection method: clinical testing. Allele origin: germline.
Comment: This sequence change replaces alanine, which is neutral and non-polar, with valine, which is neutral and non-polar, at codon 468 of the SDHA protein (p.Ala468Val). This variant is not present in population databases (gnomAD no frequency). This variant has not been reported in the literature in individuals affected with SDHA-related conditions. ClinVar contains an entry for this variant (Variation ID: 1055396). Advanced modeling of protein sequence and biophysical properties (such as structural, functional, and spatial information, amino acid conservation, physicochemical variation, residue mobility, and thermodynamic stability) performed at Invitae indicates that this missense variant is not expected to disrupt SDHA protein function. In summary, the available evidence is currently insufficient to determine the role of this variant in disease. Therefore, it has been classified as a Variant of Uncertain Significance.

NM_004168.4(SDHA):c.1403C>T (p.Ala468Val)

Gene: SDHA (succinate dehydrogenase complex flavoprotein subunit A; plus strand). Cytogenetic location: 5p15.33.
Variant type: single nucleotide variant.
Coding change: c.1403C>T on transcript NM_004168.4 (MANE Select); coding-DNA position 1403, C replaced by T.
Protein change: p.Ala468Val; replaces alanine 468 with valine.
Molecular consequence: missense variant.
Genome position (GRCh38, 1-based): chr5:236,570, C>T. VCF-style: chr5-236570-C-T. GRCh37 (hg19) VCF-style: chr5-236685-C-T.
Other names: c.1259C>T, p.Ala420Val (NM_001294332.2); c.1403C>T, p.Ala468Val (NM_001330758.2); short protein forms A420V, A468V.
Identifiers: ClinVar variation 1055396 (VCV001055396.14), dbSNP rs1057524636, ClinGen allele CA359014084.